The following is an entry in ClinVar:

NM_004933.3(CDH15):c.2T>A (p.Met1Lys)

Gene: CDH15 (cadherin 15; plus strand). Cytogenetic location: 16q24.3.
Variant type: single nucleotide variant.
Coding change: c.2T>A on transcript NM_004933.3 (MANE Select); coding-DNA position 2, T replaced by A.
Protein change: p.Met1Lys; changes the start codon (methionine 1).
Molecular consequence: missense variant, initiator codon variant.
Genome position (GRCh38, 1-based): chr16:89,171,833, T>A. VCF-style: chr16-89171833-T-A. GRCh37 (hg19) VCF-style: chr16-89238241-T-A.
Other names: short protein forms M1K.
Identifiers: ClinVar variation 451434 (VCV000451434.3), dbSNP rs1257048139, ClinGen allele CA397133147.

ClinVar aggregate classification (germline): Uncertain significance (1 of 4 stars; one submission).

Submission:

GeneDx
Classification: Uncertain significance. Last evaluated: 2017-08-17. Review status: criteria provided, single submitter. Criteria: GeneDx Variant Classification (06012015). Collection method: clinical testing. Allele origin: germline. Affected: yes.
Comment: The c.2 T>A variant has not been published as a pathogenic variant, nor has it been reported as a benign variant to our knowledge. The c.2 T>A variant is not observed in large population cohorts (Lek et al., 2016; 1000 Genomes Consortium et al., 2015; Exome Variant Server). This substitution alters the initiator Methionine codon, and the resultant protein would be described as p.Met1?" to signify that it is not known if the loss of Met1 means that all protein translation is completely prevented or if a protein is produced using an alternative Methionine initiator codon. Therefore, based on the currently available information, it is unclear whether this variant is a pathogenic variant or a rare benign variant."